The following is an entry in ClinVar:

NM_020911.2(PLXNA4):c.1372-87027C>T

Gene: PLXNA4 (plexin A4; minus strand). Cytogenetic location: 7q32.3.
Variant type: single nucleotide variant.
Coding change: c.1372-87027C>T on transcript NM_020911.2 (MANE Select); 87027 bases into the intron before coding-DNA position 1372, C replaced by T.
Molecular consequence: intron variant. On other transcripts: missense variant (1).
Genome position (GRCh38, 1-based): chr7:132,385,249, G>A on the plus strand (C>T on the coding strand, the complement: PLXNA4 is on the minus strand). VCF-style: chr7-132385249-G-A. GRCh37 (hg19) VCF-style: chr7-132070008-G-A.
Other names: c.1418C>T, p.Pro473Leu (NM_001105543.2); c.1372-87027C>T (NM_001393897.1); short protein forms P473L.
Identifiers: ClinVar variation 4987903 (VCV004987903.1).
Genomic context (GRCh38, chr7:132,385,249, plus strand): 5'-CAGTTTGATGAACAGCTGGAGAACAGGAGTTCCAGAGTCACTGTTGCTCTGTGGGATCGG[G>A]GTCCCGTCTGTAGCTCAAGGGTAGGGCAGAGGCTGGTACCAGGCATCTGGAAAAGATGAA-3'

ClinVar aggregate classification (germline): Uncertain significance (1 of 4 stars; one submission).

Conditions:
PLXNA4-related disorder. Also called: PLXNA4-related condition.

gnomAD v4.1: 3 of 1,613,984 alleles (0.00019%); highest among the groups gnomAD compares: African/African-American, 0.004%; no homozygotes.

Submission:

PreventionGenetics, part of Exact Sciences
Classification: Uncertain significance for PLXNA4-related condition. Last evaluated: 2024-11-27. Review status: criteria provided, single submitter. Criteria: ACMG Guidelines, 2015. Collection method: clinical testing. Allele origin: germline.
Comment: The PLXNA4 c.1418C>T variant is predicted to result in the amino acid substitution p.Pro473Leu. To our knowledge, this variant has not been reported in the literature or in a large population database (gnomAD), indicating this variant is rare. At this time, the clinical significance of this variant is uncertain due to the absence of conclusive functional and genetic evidence.